The following is an entry in ClinVar:

NM_002769.5(PRSS1):c.50C>A (p.Pro17His)

Genes: PRSS1 (serine protease 1; plus strand), TRB (T cell receptor beta locus; plus strand). Cytogenetic location: 7q34.
Variant type: single nucleotide variant.
Coding change: c.50C>A on transcript NM_002769.5 (MANE Select); coding-DNA position 50, C replaced by A.
Protein change: p.Pro17His; replaces proline 17 with histidine.
Molecular consequence: missense variant. On other transcripts: non-coding transcript variant (2).
Genome position (GRCh38, 1-based): chr7:142,750,564, C>A. VCF-style: chr7-142750564-C-A. GRCh37 (hg19) VCF-style: chr7-142458415-C-A.
Other names: short protein forms P17H.
Identifiers: ClinVar variation 2497444 (VCV002497444.3), dbSNP rs776401461, ClinGen allele CA4529657.

ClinVar aggregate classification (germline): Uncertain significance. Review status: criteria provided, multiple submitters, no conflicts (2 of 4 stars). 2 submissions from 2 submitters: Uncertain significance (2). Last evaluated 2023-05-09.

Conditions:
Hereditary pancreatitis (PCTT). Also called: Hereditary chronic pancreatitis; PRSS1-Related Hereditary Pancreatitis. Identifiers: Orphanet 676, MedGen C0238339, MONDO:0008185, OMIM 167800.

Allele frequency attached by ClinVar (database versions not stated): gnomAD exomes below 0.00001; ExAC 0.00001.
gnomAD v4.1: 3 of 1,614,020 alleles (0.00019%); highest among the groups gnomAD compares: South Asian, 0.0022%; no homozygotes.

Submissions (2):

Women's Health and Genetics/Laboratory Corporation of America, LabCorp
Classification: Uncertain significance. Last evaluated: 2023-05-09. Review status: criteria provided, single submitter. Criteria: LabCorp Variant Classification Summary - May 2015. Collection method: clinical testing. Allele origin: germline.
Comment: Variant summary: PRSS1 c.50C>A (p.Pro17His) results in a non-conservative amino acid change in the encoded protein sequence. Five of five in-silico tools predict a damaging effect of the variant on protein function. The variant allele was found at a frequency of 4e-06 in 251178 control chromosomes (gnomAD). The available data on variant occurrences in the general population are insufficient to allow any conclusion about variant significance. To our knowledge, no occurrence of c.50C>A in individuals affected with Chronic Pancreatitis Risk and no experimental evidence demonstrating its impact on protein function have been reported. One clinical diagnostic laboratory has submitted a clinical-significance assessment for this variant to ClinVar after 2014 and classified the variant as uncertain significance. Based on the evidence outlined above, the variant was classified as uncertain significance.

Ambry Genetics
Classification: Uncertain significance for Hereditary pancreatitis. Last evaluated: 2022-11-25. Review status: criteria provided, single submitter. Criteria: Ambry Variant Classification Scheme 2023. Collection method: clinical testing. Allele origin: germline.
Comment: The p.P17H variant (also known as c.50C>A), located in coding exon 2 of the PRSS1 gene, results from a C to A substitution at nucleotide position 50. The proline at codon 17 is replaced by histidine, an amino acid with similar properties. This amino acid position is conserved. In addition, the in silico prediction for this alteration is inconclusive. Since supporting evidence is limited at this time, the clinical significance of this alteration remains unclear.